The following is an entry in ClinVar:

NM_005506.4(SCARB2):c.256G>A (p.Val86Met)

Gene: SCARB2 (scavenger receptor class B member 2; minus strand). Cytogenetic location: 4q21.1.
Variant type: single nucleotide variant.
Coding change: c.256G>A on transcript NM_005506.4 (MANE Select); coding-DNA position 256, G replaced by A.
Protein change: p.Val86Met; replaces valine 86 with methionine.
Molecular consequence: missense variant.
Genome position (GRCh38, 1-based): chr4:76,195,726, C>T on the plus strand (G>A on the coding strand, the complement: SCARB2 is on the minus strand). VCF-style: chr4-76195726-C-T. GRCh37 (hg19) VCF-style: chr4-77116879-C-T.
Other names: c.256G>A, p.Val86Met (NM_001204255.2); short protein forms V86M.
Identifiers: ClinVar variation 842703 (VCV000842703.7), dbSNP rs1732697033, ClinGen allele CA357327464.
Genomic context (GRCh38, chr4:76,195,726, plus strand): 5'-ACTCTGTATTTCTTTCAAGACAGGAGGTGGTCAAGACTTACCTGTAGGTGTATGGCCCCA[C>T]TTCTTCCACCCGAGGGGTCTCCCCTCTGAGGATCTCCTCTGGATTGGTGACATTGAAGAA-3'
Protein context (NP_005497.1, residues 76-96): LRGETPRVEE[Val86Met]GPYTYRELRN

ClinVar aggregate classification (germline): Uncertain significance (1 of 4 stars; one submission).

Conditions:
Progressive myoclonic epilepsy. Also called: Familial progressive myoclonic epilepsy; Myoclonus epilepsy; Progressive myoclonus epilepsy; Myoclonic Epilepsies, Progressive. Identifiers: Orphanet 308, Orphanet 98261, MedGen C0751778, MONDO:0020074.

Submission:

Labcorp Genetics (formerly Invitae), Labcorp
Classification: Uncertain significance for Progressive myoclonic epilepsy. Last evaluated: 2022-06-27. Review status: criteria provided, single submitter. Criteria: Invitae Variant Classification Sherloc (09022015). Collection method: clinical testing. Allele origin: germline.
Comment: This sequence change replaces valine, which is neutral and non-polar, with methionine, which is neutral and non-polar, at codon 86 of the SCARB2 protein (p.Val86Met). This variant is not present in population databases (gnomAD no frequency). This variant has not been reported in the literature in individuals affected with SCARB2-related conditions. ClinVar contains an entry for this variant (Variation ID: 842703). Algorithms developed to predict the effect of missense changes on protein structure and function (SIFT, PolyPhen-2, Align-GVGD) all suggest that this variant is likely to be tolerated. In summary, the available evidence is currently insufficient to determine the role of this variant in disease. Therefore, it has been classified as a Variant of Uncertain Significance.